The following is an entry in ClinVar:

NM_000218.3(KCNQ1):c.1000_1003del (p.Val334fs)

Gene: KCNQ1 (potassium voltage-gated channel subfamily Q member 1; plus strand). Cytogenetic location: 11p15.5.
Variant type: Deletion.
Coding change: c.1000_1003del on transcript NM_000218.3 (MANE Select); coding-DNA positions 1000 to 1003, 4 bases deleted (GTCT; older notation c.1000_1003delGTCT).
Protein change: p.Val334fs; shifts the reading frame from valine 334.
Molecular consequence: frameshift variant.
Genome position (GRCh38, 1-based): chr11:2,583,513-2,583,516, GTCT deleted; deleting any 4 consecutive bases within chr11:2,583,510-2,583,516 gives the same sequence; the c. name uses the placement nearest the transcript's 3' end. VCF-style (leftmost placement, unchanged base first): chr11-2583509-CTCTG-C. GRCh37 (hg19) VCF-style: chr11-2604739-CTCTG-C.
Other names: c.1000_1003del, p.Val334fs (NM_001406836.1); c.730_733del, p.Val244fs (NM_001406837.1); c.556_559del, p.Val186fs (NM_001406838.1); c.619_622del, p.Val207fs (NM_181798.2); short protein forms V207fs, V244fs, V334fs, V186fs.
Identifiers: ClinVar variation 2830594 (VCV002830594.3), dbSNP rs1253568733, ClinGen allele CA597110463.
Genomic context (GRCh38, chr11:2,583,509, plus strand): 5'-CATCGGCTATGGGGACAAGGTGCCCCAGACGTGGGTCGGGAAGACCATCGCCTCCTGCTT[CTCTG>C]TCTTTGCCATCTCCTTCTTTGCGCTCCCAGCGGTAGGTGCCCCGTGGGTGCGTTTTCCCT-3'

ClinVar aggregate classification (germline): Pathogenic (1 of 4 stars; one submission).

Conditions:
Long QT syndrome (LQTS). Identifiers: MedGen C0023976, MeSH D008133, MONDO:0002442. Disease mechanism: loss of function. Inheritance: Various modes of inheritance.

Submission:

Labcorp Genetics (formerly Invitae), Labcorp
Classification: Pathogenic for Long QT syndrome. Last evaluated: 2024-01-05. Review status: criteria provided, single submitter. Criteria: Invitae Variant Classification Sherloc (09022015). Collection method: clinical testing. Allele origin: germline.
Comment: This sequence change creates a premature translational stop signal (p.Val334Leufs*19) in the KCNQ1 gene. It is expected to result in an absent or disrupted protein product. Loss-of-function variants in KCNQ1 are known to be pathogenic (PMID: 9323054, 19862833). This variant is present in population databases (no rsID available, gnomAD 0.003%). This variant has not been reported in the literature in individuals affected with KCNQ1-related conditions. For these reasons, this variant has been classified as Pathogenic.

Literature cited by the submitters: PubMed 9323054; PubMed 19862833.